The following is an entry in ClinVar:

ClinVar aggregate classification (germline): Pathogenic. Review status: criteria provided, single submitter (1 of 4 stars). 2 submissions from 2 submitters: Pathogenic (1). 1 of the submissions does not count toward it. Last evaluated 2021-11-03.

Conditions:
Retinitis pigmentosa (RP). Identifiers: Orphanet 791, MedGen C0035334, MeSH D012174, MONDO:0019200, OMIM 268000. Inheritance: Autosomal dominant, autosomal recessive and X linked inheritance.

Submissions (2):

Institute for Clinical Genetics, University Hospital TU Dresden, University Hospital TU Dresden
Classification: Pathogenic. Last evaluated: 2021-11-03. Review status: criteria provided, single submitter. Criteria: ACMG Guidelines, 2015. Collection method: clinical testing. Allele origin: germline.

Department of Ophthalmology and Visual Sciences Kyoto University
Classification: Pathogenic for Retinitis pigmentosa. Review status: no assertion criteria provided. Collection method: not provided. Allele origin: unknown. Not counted in ClinVar's aggregate classification.
ClinVar note: Converted during submission from pathogenic to Pathogenic.

NM_206933.4(USH2A):c.9751T>C (p.Cys3251Arg)

Gene: USH2A (usherin; minus strand). Cytogenetic location: 1q41.
Variant type: single nucleotide variant.
Coding change: c.9751T>C on transcript NM_206933.4 (MANE Select); coding-DNA position 9751, T replaced by C.
Protein change: p.Cys3251Arg; replaces cysteine 3251 with arginine.
Molecular consequence: missense variant.
Genome position (GRCh38, 1-based): chr1:215,799,114, A>G on the plus strand (T>C on the coding strand, the complement: USH2A is on the minus strand). VCF-style: chr1-215799114-A-G. GRCh37 (hg19) VCF-style: chr1-215972456-A-G.
Other names: short protein forms C3251R.
Identifiers: ClinVar variation 143185 (VCV000143185.5), dbSNP rs527236118, ClinGen allele CA270162.